The following is an entry in ClinVar:

ClinVar aggregate classification (germline): Uncertain significance. Review status: criteria provided, multiple submitters, no conflicts (2 of 4 stars). 2 submissions from 2 submitters: Uncertain significance (2). Last evaluated 2024-01-09.

Submissions (2):

Labcorp Genetics (formerly Invitae), Labcorp
Classification: Uncertain significance. Last evaluated: 2024-01-09. Review status: criteria provided, single submitter. Criteria: Invitae Variant Classification Sherloc (09022015). Collection method: clinical testing. Allele origin: germline.
Comment: This sequence change replaces arginine, which is basic and polar, with serine, which is neutral and polar, at codon 57 of the RAX2 protein (p.Arg57Ser). This variant is not present in population databases (gnomAD no frequency). This variant has not been reported in the literature in individuals affected with RAX2-related conditions. ClinVar contains an entry for this variant (Variation ID: 1943190). An algorithm developed to predict the effect of missense changes on protein structure and function (PolyPhen-2) suggests that this variant is likely to be disruptive. In summary, the available evidence is currently insufficient to determine the role of this variant in disease. Therefore, it has been classified as a Variant of Uncertain Significance.

Blueprint Genetics
Classification: Uncertain significance. Last evaluated: 2022-11-16. Review status: criteria provided, single submitter. Criteria: ACMG Guidelines, 2015. Collection method: clinical testing. Allele origin: germline.

NM_001319074.4(RAX2):c.169C>A (p.Arg57Ser)

Gene: RAX2 (retina and anterior neural fold homeobox 2; minus strand). Cytogenetic location: 19p13.3.
Variant type: single nucleotide variant.
Coding change: c.169C>A on transcript NM_001319074.4 (MANE Select); coding-DNA position 169, C replaced by A.
Protein change: p.Arg57Ser; replaces arginine 57 with serine.
Molecular consequence: missense variant.
Genome position (GRCh38, 1-based): chr19:3,771,574, G>T on the plus strand (C>A on the coding strand, the complement: RAX2 is on the minus strand). VCF-style: chr19-3771574-G-T. GRCh37 (hg19) VCF-style: chr19-3771572-G-T.
Other names: c.169C>A, p.Arg57Ser (NM_032753.4); short protein forms R57S.
Identifiers: ClinVar variation 1943190 (VCV001943190.6), dbSNP rs765285304, ClinGen allele CA403375448.